The following is an entry in ClinVar:

ClinVar aggregate classification (germline): Likely benign. Review status: criteria provided, multiple submitters, no conflicts (2 of 4 stars). 3 submissions from 3 submitters: Likely benign (3). Last evaluated 2025-06-17.

Conditions:
EPILEPSY, CHILDHOOD ABSENCE, SUSCEPTIBILITY TO, 2 (ECA2). Identifiers: Orphanet 64280, MedGen C1843244, OMIM 607681.
Febrile seizures, familial, 8 (FEB8). Also called: CONVULSIONS, FAMILIAL FEBRILE, 8. Identifiers: Orphanet 36387, MedGen C1969810, MONDO:0011891, OMIM 607681.

Allele frequency attached by ClinVar (database versions not stated): gnomAD exomes 0.00001; ExAC 0.00002; TOPMed 0.00002; gnomAD 0.00004.
gnomAD v4.1: 25 of 1,612,178 alleles (0.0016%); highest among the groups gnomAD compares: Non-Finnish European, 0.002%; no homozygotes.

Submissions (3):

Labcorp Genetics (formerly Invitae), Labcorp
Classification: Likely benign for Febrile seizures, familial, 8; EPILEPSY, CHILDHOOD ABSENCE, SUSCEPTIBILITY TO, 2. Last evaluated: 2025-06-17. Review status: criteria provided, single submitter. Criteria: Invitae Variant Classification Sherloc (09022015). Collection method: clinical testing. Allele origin: germline.

Women's Health and Genetics/Laboratory Corporation of America, LabCorp
Classification: Likely benign. Last evaluated: 2024-11-19. Review status: criteria provided, single submitter. Criteria: LabCorp Variant Classification Summary - May 2015. Collection method: clinical testing. Allele origin: germline.

GeneDx
Classification: Likely benign. Last evaluated: 2016-02-19. Review status: criteria provided, single submitter. Criteria: GeneDx Variant Classification (06012015). Collection method: clinical testing. Allele origin: germline. Affected: yes.
Comment: This variant is considered likely benign or benign based on one or more of the following criteria: it is a conservative change, it occurs at a poorly conserved position in the protein, it is predicted to be benign by multiple in silico algorithms, and/or has population frequency not consistent with disease.

NM_198904.4(GABRG2):c.259+19C>T

Gene: GABRG2 (gamma-aminobutyric acid type A receptor subunit gamma2; plus strand). Cytogenetic location: 5q34.
Variant type: single nucleotide variant.
Coding change: c.259+19C>T on transcript NM_198904.4 (MANE Select); 19 bases into the intron after coding-DNA position 259, C replaced by T.
Molecular consequence: intron variant.
Genome position (GRCh38, 1-based): chr5:162,093,998, C>T. VCF-style: chr5-162093998-C-T. GRCh37 (hg19) VCF-style: chr5-161521004-C-T.
Other names: c.-27+19C>T (NM_001375349.1); c.259+19C>T (NM_001375343.1, NM_001375344.1, NM_001375340.1 and 4 more transcripts); c.-100+19C>T (NM_001375350.1, NM_001375348.1); c.250+19C>T (NM_001375339.1); c.193+19C>T (NM_001375346.1, NM_001375345.1); c.172+19C>T (NM_001375347.1).
Identifiers: ClinVar variation 383705 (VCV000383705.7), dbSNP rs758196181, ClinGen allele CA3544691.
Genomic context (GRCh38, chr5:162,093,998, plus strand): 5'-TGCTGGAAGGATATGACAATAAACTTCGGCCTGATATAGGAGGTTTGTTAAAGTCTTTTG[C>T]GTTGTGCTATAGATAGGAGCACATAAACATGTCTACTTTAATAGATAAAACATCAGTGTA-3'